The following is an entry in ClinVar:

NM_002471.4(MYH6):c.2716C>G (p.Arg906Gly)

Gene: MYH6 (myosin heavy chain 6; minus strand). Cytogenetic location: 14q11.2.
Variant type: single nucleotide variant.
Coding change: c.2716C>G on transcript NM_002471.4 (MANE Select); coding-DNA position 2716, C replaced by G.
Protein change: p.Arg906Gly; replaces arginine 906 with glycine.
Molecular consequence: missense variant.
Genome position (GRCh38, 1-based): chr14:23,393,878, G>C on the plus strand (C>G on the coding strand, the complement: MYH6 is on the minus strand). VCF-style: chr14-23393878-G-C. GRCh37 (hg19) VCF-style: chr14-23863087-G-C.
Other names: short protein forms R906G.
Identifiers: ClinVar variation 3297492 (VCV003297492.2).

ClinVar aggregate classification (germline): Uncertain significance. Review status: criteria provided, multiple submitters, no conflicts (2 of 4 stars). 2 submissions from 2 submitters: Uncertain significance (2). Last evaluated 2024-06-01.

Conditions:
Cardiovascular phenotype. Identifiers: MedGen CN230736.

gnomAD v4.1: 6 of 1,614,178 alleles (0.00037%); highest among the groups gnomAD compares: Non-Finnish European, 0.00051%; no homozygotes.

Submissions (2):

Ambry Genetics
Classification: Uncertain significance for Cardiovascular phenotype. Last evaluated: 2024-06-01. Review status: criteria provided, single submitter. Criteria: Ambry Variant Classification Scheme 2023. Collection method: clinical testing. Allele origin: germline.
Comment: The p.R906G variant (also known as c.2716C>G), located in coding exon 20 of the MYH6 gene, results from a C to G substitution at nucleotide position 2716. The arginine at codon 906 is replaced by glycine, an amino acid with dissimilar properties. This amino acid position is highly conserved in available vertebrate species. In addition, this alteration is predicted to be deleterious by in silico analysis. Based on the available evidence, the clinical significance of this variant remains unclear.

Blueprint Genetics
Classification: Uncertain significance. Last evaluated: 2021-04-16. Review status: criteria provided, single submitter. Criteria: ACMG Guidelines, 2015. Collection method: clinical testing. Allele origin: germline.